The following is an entry in ClinVar:

ClinVar aggregate classification (germline): Conflicting classifications of pathogenicity. Review status: criteria provided, conflicting classifications (1 of 4 stars). 3 submissions from 3 submitters: Uncertain significance (2); Likely benign (1). Last evaluated 2024-06-21.

Conditions:
Inborn genetic diseases. Identifiers: MedGen C0950123, MeSH D030342.
DYRK1A-related intellectual disability syndrome (MRD7). Also called: DYRK1A Syndrome; Intellectual developmental disorder, autosomal dominant 7. Identifiers: Orphanet 464306, MedGen C5568143, MONDO:0013578, OMIM 614104.

Allele frequency attached by ClinVar (database versions not stated): gnomAD exomes below 0.00001 and 0.00001; ExAC 0.00001; gnomAD 0.00001.
gnomAD v4.1: 5 of 1,614,092 alleles (0.00031%); highest among the groups gnomAD compares: Non-Finnish European, 0.00042%; no homozygotes.

Submissions (3):

Labcorp Genetics (formerly Invitae), Labcorp
Classification: Uncertain significance for DYRK1A-related intellectual disability syndrome. Last evaluated: 2024-06-21. Review status: criteria provided, single submitter. Criteria: Invitae Variant Classification Sherloc (09022015). Collection method: clinical testing. Allele origin: germline.
Comment: This sequence change replaces methionine, which is neutral and non-polar, with threonine, which is neutral and polar, at codon 739 of the DYRK1A protein (p.Met739Thr). This variant is present in population databases (rs764653772, gnomAD 0.0009%). This variant has not been reported in the literature in individuals affected with DYRK1A-related conditions. ClinVar contains an entry for this variant (Variation ID: 1315285). An algorithm developed to predict the effect of missense changes on protein structure and function (PolyPhen-2) suggests that this variant is likely to be tolerated. In summary, the available evidence is currently insufficient to determine the role of this variant in disease. Therefore, it has been classified as a Variant of Uncertain Significance.

GeneDx
Classification: Uncertain significance. Last evaluated: 2021-02-05. Review status: criteria provided, single submitter. Criteria: GeneDx Variant Classification Process June 2021. Collection method: clinical testing. Allele origin: germline. Affected: yes.
Comment: In silico analysis supports that this missense variant does not alter protein structure/function; Has not been previously published as pathogenic or benign to our knowledge

Ambry Genetics
Classification: Likely benign for Inborn genetic diseases. Last evaluated: 2018-06-20. Review status: criteria provided, single submitter. Criteria: Ambry Variant Classification Scheme 2023. Collection method: clinical testing. Allele origin: germline.

NM_001347721.2(DYRK1A):c.2189T>C (p.Met730Thr)

Gene: DYRK1A (dual specificity tyrosine phosphorylation regulated kinase 1A; plus strand). Cytogenetic location: 21q22.13.
Variant type: single nucleotide variant.
Coding change: c.2189T>C on transcript NM_001347721.2 (MANE Select); coding-DNA position 2189, T replaced by C.
Protein change: p.Met730Thr; replaces methionine 730 with threonine.
Molecular consequence: missense variant. On other transcripts: 3 prime UTR variant (2).
Genome position (GRCh38, 1-based): chr21:37,512,455, T>C. VCF-style: chr21-37512455-T-C. GRCh37 (hg19) VCF-style: chr21-38884758-T-C.
Other names: c.2216T>C, p.Met739Thr (NM_001396.5); c.*592T>C (NM_101395.2); c.2189T>C, p.Met730Thr (NM_130436.2, NM_001347722.2); c.*501T>C (NM_130438.2); c.2102T>C, p.Met701Thr (NM_001347723.2); short protein forms M701T, M730T, M739T.
Identifiers: ClinVar variation 1315285 (VCV001315285.8), dbSNP rs764653772, ClinGen allele CA10024179.